The following is an entry in ClinVar:

ClinVar aggregate classification (germline): Uncertain significance (1 of 4 stars; one submission).

Allele frequency attached by ClinVar (database versions not stated): gnomAD exomes below 0.00001.
gnomAD v4.1: 1 of 1,607,496 alleles (0.000062%); highest among the groups gnomAD compares: Non-Finnish European, 0.000085%; no homozygotes.

Submission:

GeneDx
Classification: Uncertain significance. Last evaluated: 2023-12-09. Review status: criteria provided, single submitter. Criteria: GeneDx Variant Classification Process June 2021. Collection method: clinical testing. Allele origin: germline. Affected: yes.
Comment: Not observed at significant frequency in large population cohorts (gnomAD); In silico analysis supports that this missense variant does not alter protein structure/function; Has not been previously published as pathogenic or benign to our knowledge

NM_015570.4(AUTS2):c.721A>G (p.Asn241Asp)

Gene: AUTS2 (activator of transcription and developmental regulator AUTS2; plus strand). Cytogenetic location: 7q11.22.
Variant type: single nucleotide variant.
Coding change: c.721A>G on transcript NM_015570.4 (MANE Select); coding-DNA position 721, A replaced by G.
Protein change: p.Asn241Asp; replaces asparagine 241 with aspartic acid.
Molecular consequence: missense variant.
Genome position (GRCh38, 1-based): chr7:70,698,599, A>G. VCF-style: chr7-70698599-A-G. GRCh37 (hg19) VCF-style: chr7-70163585-A-G.
Other names: c.721A>G, p.Asn241Asp (NM_001127231.3); short protein forms N241D.
Identifiers: ClinVar variation 3252865 (VCV003252865.1), dbSNP rs2538852389.